The following is an entry in ClinVar:

NM_025114.4(CEP290):c.288T>C (p.Asn96=)

Gene: CEP290 (centrosomal protein 290; minus strand). Cytogenetic location: 12q21.32.
Variant type: single nucleotide variant.
Coding change: c.288T>C on transcript NM_025114.4 (MANE Select); coding-DNA position 288, T replaced by C.
Protein change: p.Asn96=; no amino-acid change (asparagine 96 retained).
Molecular consequence: synonymous variant.
Genome position (GRCh38, 1-based): chr12:88,139,154, A>G on the plus strand (T>C on the coding strand, the complement: CEP290 is on the minus strand). VCF-style: chr12-88139154-A-G. GRCh37 (hg19) VCF-style: chr12-88532931-A-G.
Other names: c.288T>C (NM_025114.3).
Identifiers: ClinVar variation 1149385 (VCV001149385.12), dbSNP rs367691481, ClinGen allele CA6712856.

ClinVar aggregate classification (germline): Likely benign. Review status: criteria provided, multiple submitters, no conflicts (2 of 4 stars). 4 submissions from 4 submitters: Likely benign (2). 2 of the submissions do not count toward it. Last evaluated 2025-12-06.

Conditions:
Nephronophthisis. Also called: Juvenile Nephronophthisis. Identifiers: Orphanet 655, MedGen C0687120, MONDO:0019005, HP:0000090.
Joubert syndrome. Also called: JOUBERT-BOLTSHAUSER SYNDROME; Familial aplasia of the vermis. Identifiers: Orphanet 475, MedGen C5979921, MONDO:0018772.
Meckel-Gruber syndrome. Also called: Dysencephalia splachnocystica; GRUBER SYNDROME; DYSENCEPHALIA SPLANCHNOCYSTICA. Identifiers: Orphanet 564, MedGen C0265215, MONDO:0018921.
Leber congenital amaurosis (LCA). Also called: Leber's amaurosis. Identifiers: Orphanet 65, MedGen C0339527, MeSH D057130, MONDO:0018998.
CEP290-related disorder. Also called: CEP290-related disorders; CEP290-related condition. Identifiers: MedGen CN239314.

Allele frequency attached by ClinVar (database versions not stated): gnomAD exomes below 0.00001 and 0.00003; TOPMed 0.00003; gnomAD 0.00004; ExAC 0.00005; ESP Exome Variant Server 0.00009.
gnomAD v4.1: 10 of 1,195,410 alleles (0.00084%); highest among the groups gnomAD compares: Non-Finnish European, 0.0012%; no homozygotes.

Submissions (4):

Labcorp Genetics (formerly Invitae), Labcorp
Classification: Likely benign for Joubert syndrome; Meckel-Gruber syndrome; Nephronophthisis. Last evaluated: 2025-12-06. Review status: criteria provided, single submitter. Criteria: Invitae Variant Classification Sherloc (09022015). Collection method: clinical testing. Allele origin: germline.

Blueprint Genetics
Classification: Likely benign. Last evaluated: 2023-11-01. Review status: criteria provided, single submitter. Criteria: ACMG Guidelines, 2015. Collection method: clinical testing. Allele origin: germline.

PreventionGenetics, part of Exact Sciences
Classification: Likely benign for CEP290-related condition. Last evaluated: 2022-05-23. Review status: no assertion criteria provided. Collection method: clinical testing. Allele origin: germline. Not counted in ClinVar's aggregate classification.
Comment: This variant is classified as likely benign based on ACMG/AMP sequence variant interpretation guidelines (Richards et al. 2015 PMID: 25741868, with internal and published modifications).

Natera, Inc.
Classification: Likely benign for Leber congenital amaurosis. Last evaluated: 2021-07-27. Review status: no assertion criteria provided. Collection method: clinical testing. Allele origin: germline. Not counted in ClinVar's aggregate classification.